The following is an entry in ClinVar:

NM_002602.4(PDE6G):c.*6G>C

Gene: PDE6G (phosphodiesterase 6G; minus strand). Cytogenetic location: 17q25.3.
Variant type: single nucleotide variant.
Coding change: c.*6G>C on transcript NM_002602.4 (MANE Select); 6 bases downstream of the stop codon, G replaced by C.
Molecular consequence: 3 prime UTR variant. On other transcripts: non-coding transcript variant (2).
Genome position (GRCh38, 1-based): chr17:81,651,068, C>G on the plus strand (G>C on the coding strand, the complement: PDE6G is on the minus strand). VCF-style: chr17-81651068-C-G. GRCh37 (hg19) VCF-style: chr17-79618098-C-G.
Other names: c.*6G>C (NM_001365724.1, NM_001365725.1, NM_002602.3).
Identifiers: ClinVar variation 4937650 (VCV004937650.2).

ClinVar aggregate classification (germline): Likely benign. Review status: criteria provided, multiple submitters, no conflicts (2 of 4 stars). 2 submissions from 2 submitters: Likely benign (2). Last evaluated 2025-03-19.

Conditions:
PDE6G-related condition.

gnomAD v4.1: 198 of 1,607,462 alleles (0.012%); highest among the groups gnomAD compares: African/African-American, 0.25%; no homozygotes.

Submissions (2):

PreventionGenetics, part of Exact Sciences
Classification: Likely benign for PDE6G-related condition. Last evaluated: 2025-03-19. Review status: criteria provided, single submitter. Criteria: ACMG Guidelines, 2015. Collection method: clinical testing. Allele origin: germline.
Comment: This variant is classified as likely benign based on ACMG/AMP sequence variant interpretation guidelines (Richards et al. 2015 PMID: 25741868, with internal and published modifications).

Blueprint Genetics
Classification: Likely benign. Last evaluated: 2024-11-25. Review status: criteria provided, single submitter. Criteria: ACMG Guidelines, 2015. Collection method: clinical testing. Allele origin: germline.